The following is an entry in ClinVar:

NM_058216.3(RAD51C):c.644A>G (p.Asp215Gly)

Genes: RAD51C (RAD51 paralog C; plus strand), LOC129390903 (MPRA-validated peak2919 silencer; plus strand). Cytogenetic location: 17q22.
Variant type: single nucleotide variant.
Coding change: c.644A>G on transcript NM_058216.3 (MANE Select); coding-DNA position 644, A replaced by G.
Protein change: p.Asp215Gly; replaces aspartic acid 215 with glycine.
Molecular consequence: missense variant. On other transcripts: non-coding transcript variant (1).
Genome position (GRCh38, 1-based): chr17:58,703,268, A>G. VCF-style: chr17-58703268-A-G. GRCh37 (hg19) VCF-style: chr17-56780629-A-G.
Other names: short protein forms D215G.
Identifiers: ClinVar variation 929794 (VCV000929794.16), dbSNP rs1483938000, ClinGen allele CA400349588.

ClinVar aggregate classification (germline): Conflicting classifications of pathogenicity. Review status: criteria provided, conflicting classifications (1 of 4 stars). 6 submissions from 6 submitters: Uncertain significance (4); Likely benign (1). 1 of the submissions does not count toward it. Last evaluated 2026-01-18.

Conditions:
Familial ovarian cancer. Identifiers: MedGen C5679802, MONDO:0016248.
Hereditary cancer-predisposing syndrome. Also called: Tumor predisposition; Hereditary neoplastic syndrome; Neoplastic Syndromes, Hereditary; Hereditary Cancer Syndrome. Identifiers: Orphanet 140162, MedGen C0027672, MeSH D009386, MONDO:0015356.
Fanconi anemia complementation group O. Also called: RAD51C-Related Fanconi Anemia. Identifiers: Orphanet 84, MedGen C3150653, MONDO:0013248, OMIM 613390.

Allele frequency attached by ClinVar (database versions not stated): gnomAD exomes below 0.00001; TOPMed below 0.00001; gnomAD 0.00001.
gnomAD v4.1: 2 of 1,609,192 alleles (0.00012%); highest among the groups gnomAD compares: East Asian, 0.0045%; no homozygotes.

Submissions (6):

Labcorp Genetics (formerly Invitae), Labcorp
Classification: Uncertain significance for Fanconi anemia complementation group O. Last evaluated: 2026-01-18. Review status: criteria provided, single submitter. Criteria: Invitae Variant Classification Sherloc (09022015). Collection method: clinical testing. Allele origin: germline.
Comment: This sequence change replaces aspartic acid, which is acidic and polar, with glycine, which is neutral and non-polar, at codon 215 of the RAD51C protein (p.Asp215Gly). This variant is present in population databases (no rsID available, gnomAD 0.0009%). This missense change has been observed in individual(s) with breast and/or ovariantcancer (PMID: 21597919, 31742824). ClinVar contains an entry for this variant (Variation ID: 929794). Invitae Evidence Modeling of protein sequence and biophysical properties (such as structural, functional, and spatial information, amino acid conservation, physicochemical variation, residue mobility, and thermodynamic stability) indicates that this missense variant is not expected to disrupt RAD51C protein function with a negative predictive value of 80%. In summary, the available evidence is currently insufficient to determine the role of this variant in disease. Therefore, it has been classified as a Variant of Uncertain Significance.

Ambry Genetics
Classification: Likely benign for Hereditary cancer-predisposing syndrome. Last evaluated: 2025-10-24. Review status: criteria provided, single submitter. Criteria: Ambry Variant Classification Scheme 2023. Collection method: clinical testing. Allele origin: germline.

Molecular Pathology, Peter Maccallum Cancer Centre
Classification: Uncertain significance for Familial ovarian cancer. Last evaluated: 2024-10-22. Review status: criteria provided, single submitter. Criteria: ACMG Guidelines, 2015. Collection method: clinical testing. Allele origin: germline. Inheritance: Autosomal dominant inheritance.

Color Diagnostics, LLC DBA Color Health
Classification: Uncertain significance for Hereditary cancer-predisposing syndrome. Last evaluated: 2023-01-03. Review status: criteria provided, single submitter. Criteria: ACMG Guidelines, 2015. Collection method: clinical testing. Allele origin: germline.
Comment: This missense variant replaces aspartic acid with glycine at codon 215 of the RAD51C protein. Computational prediction suggests that this variant may not impact protein structure and function (internally defined REVEL score threshold <= 0.5, PMID: 27666373). To our knowledge, functional studies have not been reported for this variant. This variant has been reported in an individual affected with breast cancer (PMID: 2159791) and in an individual affected with hereditary breast and ovarian cancer (PMID: 31742824). This variant has been identified in 1/251266 chromosomes in the general population by the Genome Aggregation Database (gnomAD). The available evidence is insufficient to determine the role of this variant in disease conclusively. Therefore, this variant is classified as a Variant of Uncertain Significance.

Quest Diagnostics Nichols Institute San Juan Capistrano
Classification: Uncertain significance. Last evaluated: 2021-04-15. Review status: criteria provided, single submitter. Criteria: Quest Diagnostics criteria. Collection method: clinical testing. Allele origin: unknown.

Leiden Open Variation Database
Classification: Uncertain significance. Last evaluated: 2014-11-02. Review status: no assertion criteria provided. Collection method: curation. Allele origin: germline. Affected: yes. Not counted in ClinVar's aggregate classification.
Comment: Curator: Arleen D. Auerbach. Submitter to LOVD: Johan den Dunnen.

Literature cited by the submitters: PubMed 21597919 (cited by 4 submitters); PubMed 31742824 (cited by 3 submitters); PubMed 37253112 (cited by Ambry Genetics); PubMed 2159791 (cited by Color Diagnostics, LLC DBA Color Health); PubMed 25086635 (cited by Quest Diagnostics Nichols Institute San Juan Capistrano); PubMed 28829762 (cited by Quest Diagnostics Nichols Institute San Juan Capistrano); PubMed 21990120 (cited by Quest Diagnostics Nichols Institute San Juan Capistrano).